The following is an entry in ClinVar:

NM_178012.5(TUBB2B):c.646A>G (p.Lys216Glu)

Gene: TUBB2B (tubulin beta 2B class IIb; minus strand). Cytogenetic location: 6p25.2.
Variant type: single nucleotide variant.
Coding change: c.646A>G on transcript NM_178012.5 (MANE Select); coding-DNA position 646, A replaced by G.
Protein change: p.Lys216Glu; replaces lysine 216 with glutamic acid.
Molecular consequence: missense variant.
Genome position (GRCh38, 1-based): chr6:3,225,443, T>C on the plus strand (A>G on the coding strand, the complement: TUBB2B is on the minus strand). VCF-style: chr6-3225443-T-C. GRCh37 (hg19) VCF-style: chr6-3225677-T-C.
Other names: short protein forms K216E.
Identifiers: ClinVar variation 4529914 (VCV004529914.1).

ClinVar aggregate classification (germline): Likely pathogenic (1 of 4 stars; one submission).

Submission:

GeneDx
Classification: Likely pathogenic. Last evaluated: 2025-05-12. Review status: criteria provided, single submitter. Criteria: GeneDx Variant Classification Process June 2021. Collection method: clinical testing. Allele origin: germline. Affected: yes.
Comment: Not observed at significant frequency in large population cohorts (gnomAD); Missense variants in this gene are a common cause of disease and they are underrepresented in the general population; In silico analysis supports that this missense variant has a deleterious effect on protein structure/function; Has not been previously published as pathogenic or benign to our knowledge; This variant is associated with the following publications: (PMID: 24860126)